The following is an entry in ClinVar:

ClinVar aggregate classification (germline): Uncertain significance. Review status: criteria provided, multiple submitters, no conflicts (2 of 4 stars). 3 submissions from 3 submitters: Uncertain significance (2). 1 of the submissions does not count toward it. Last evaluated 2023-12-08.

Conditions:
Inborn genetic diseases. Identifiers: MedGen C0950123, MeSH D030342.

Allele frequency attached by ClinVar (database versions not stated): gnomAD exomes 0.00002; ExAC 0.00003; gnomAD 0.00011 and 0.00014; TOPMed 0.00016.
gnomAD v4.1: 47 of 1,613,888 alleles (0.0029%); highest among the groups gnomAD compares: African/African-American, 0.057%; no homozygotes.

Submissions (3):

Ambry Genetics
Classification: Uncertain significance for Inborn genetic diseases. Last evaluated: 2023-12-08. Review status: criteria provided, single submitter. Criteria: Ambry Variant Classification Scheme 2023. Collection method: clinical testing. Allele origin: germline.

Labcorp Genetics (formerly Invitae), Labcorp
Classification: Uncertain significance. Last evaluated: 2022-07-09. Review status: criteria provided, single submitter. Criteria: Invitae Variant Classification Sherloc (09022015). Collection method: clinical testing. Allele origin: germline.
Comment: This variant has not been reported in the literature in individuals affected with ACE-related conditions. In summary, the available evidence is currently insufficient to determine the role of this variant in disease. Therefore, it has been classified as a Variant of Uncertain Significance. Algorithms developed to predict the effect of missense changes on protein structure and function are either unavailable or do not agree on the potential impact of this missense change (SIFT: "Deleterious"; PolyPhen-2: "Benign"; Align-GVGD: "Class C0"). ClinVar contains an entry for this variant (Variation ID: 1049540). This variant is present in population databases (rs769142434, gnomAD 0.05%). This sequence change replaces threonine, which is neutral and polar, with isoleucine, which is neutral and non-polar, at codon 563 of the ACE protein (p.Thr563Ile).

Department of Pathology and Laboratory Medicine, Sinai Health System
Classification: Uncertain significance. Review status: no assertion criteria provided. Collection method: clinical testing. Allele origin: unknown. Affected: yes. Study: The Canadian Open Genetics Repository (COGR). Not counted in ClinVar's aggregate classification.
Comment: The ACE p.Thr563Ile variant was not identified in the literature nor was it identified in ClinVar, Cosmic or LOVD 3.0. The variant was identified in dbSNP (ID: rs769142434) and in control databases in 11 of 281944 chromosomes at a frequency of 0.000039 (Genome Aggregation Database Feb 27, 2017). The variant was observed in the African population in 11 of 24898 chromosomes (freq: 0.000442), while the variant was not observed in the Latino, Ashkenazi Jewish, East Asian, European (Finnish), European (non-Finnish), Other or South Asian populations. The p.Thr563 residue is not conserved in mammals and computational analyses (PolyPhen-2, SIFT, AlignGVGD, BLOSUM, MutationTaster) provide inconsistent predictions regarding the impact to the protein; this information is not very predictive of pathogenicity. The variant occurs outside of the splicing consensus sequence and in silico or computational prediction software programs (SpliceSiteFinder, MaxEntScan, NNSPLICE, GeneSplicer) do not predict a difference in splicing at the variant location. In summary, based on the above information the clinical significance of this variant cannot be determined with certainty at this time. This variant is classified as a variant of uncertain significance.

NM_000789.4(ACE):c.1688C>T (p.Thr563Ile)

Gene: ACE (angiotensin I converting enzyme; plus strand). Cytogenetic location: 17q23.3.
Variant type: single nucleotide variant.
Coding change: c.1688C>T on transcript NM_000789.4 (MANE Select); coding-DNA position 1688, C replaced by T.
Protein change: p.Thr563Ile; replaces threonine 563 with isoleucine.
Molecular consequence: missense variant.
Genome position (GRCh38, 1-based): chr17:63,483,950, C>T. VCF-style: chr17-63483950-C-T. GRCh37 (hg19) VCF-style: chr17-61561311-C-T.
Other names: c.1121C>T, p.Thr374Ile (NM_001382700.1); c.836C>T, p.Thr279Ile (NM_001382701.1); c.1688C>T (NM_000789.3); short protein forms T279I, T374I, T563I.
Identifiers: ClinVar variation 1049540 (VCV001049540.5), dbSNP rs769142434, ClinGen allele CA8699655.